The following is an entry in ClinVar:

ClinVar aggregate classification (germline): Uncertain significance (1 of 4 stars; one submission).

gnomAD v4.1: 74 of 1,613,910 alleles (0.0046%); highest among the groups gnomAD compares: South Asian, 0.014%; no homozygotes.

Submission:

Labcorp Genetics (formerly Invitae), Labcorp
Classification: Uncertain significance. Last evaluated: 2025-06-07. Review status: criteria provided, single submitter. Criteria: Invitae Variant Classification Sherloc (09022015). Collection method: clinical testing. Allele origin: germline.
Comment: This sequence change replaces arginine, which is basic and polar, with cysteine, which is neutral and slightly polar, at codon 284 of the GRXCR1 protein (p.Arg284Cys). This variant is present in population databases (rs747155940, gnomAD 0.04%). This variant has not been reported in the literature in individuals affected with GRXCR1-related conditions. Invitae Evidence Modeling of protein sequence and biophysical properties (such as structural, functional, and spatial information, amino acid conservation, physicochemical variation, residue mobility, and thermodynamic stability) has been performed for this missense variant. However, the output from this modeling did not meet the statistical confidence thresholds required to predict the impact of this variant on GRXCR1 protein function. In summary, the available evidence is currently insufficient to determine the role of this variant in disease. Therefore, it has been classified as a Variant of Uncertain Significance.

NM_001080476.3(GRXCR1):c.850C>T (p.Arg284Cys)

Gene: GRXCR1 (glutaredoxin and cysteine rich domain containing 1; plus strand). Cytogenetic location: 4p13.
Variant type: single nucleotide variant.
Coding change: c.850C>T on transcript NM_001080476.3 (MANE Select); coding-DNA position 850, C replaced by T.
Protein change: p.Arg284Cys; replaces arginine 284 with cysteine.
Molecular consequence: missense variant.
Genome position (GRCh38, 1-based): chr4:43,030,517, C>T. VCF-style: chr4-43030517-C-T. GRCh37 (hg19) VCF-style: chr4-43032534-C-T.
Other names: short protein forms R284C.
Identifiers: ClinVar variation 4780386 (VCV004780386.1).
Genomic context (GRCh38, chr4:43,030,517, plus strand): 5'-TGCTTCACAGACTCTTTCAAAGCCCTGAAGTGTACGGCTTGCAATGAAAATGGTCTTCAG[C>T]GTTGTAAGAACTGTGCTGGTTAATTGGAGCTTCTACCCAGGAAAAACCTCATTTTATTAA-3'
Protein context (NP_001073945.1, residues 274-290): CTACNENGLQ[Arg284Cys]CKNCAG